The following is an entry in ClinVar:

NM_000219.6(KCNE1):c.183C>T (p.Ile61=)

Gene: KCNE1 (potassium voltage-gated channel subfamily E regulatory subunit 1; minus strand). Cytogenetic location: 21q22.12.
Variant type: single nucleotide variant.
Coding change: c.183C>T on transcript NM_000219.6 (MANE Select); coding-DNA position 183, C replaced by T.
Protein change: p.Ile61=; no amino-acid change (isoleucine 61 retained).
Molecular consequence: synonymous variant.
Genome position (GRCh38, 1-based): chr21:34,449,452, G>A on the plus strand (C>T on the coding strand, the complement: KCNE1 is on the minus strand). VCF-style: chr21-34449452-G-A. GRCh37 (hg19) VCF-style: chr21-35821750-G-A.
Other names: c.183C>T, p.Ile61= (NM_001127668.4, NM_001127669.4, NM_001127670.4 and 4 more transcripts).
Identifiers: ClinVar variation 1547528 (VCV001547528.10), dbSNP rs2123458313, ClinGen allele CA2573157405.
Genomic context (GRCh38, chr21:34,449,452, plus strand): 5'-GTAGACGTTGAATGGGTCGTTCGAGTGCTCCAGCTTCTTGGAGCGGATGTAGCTCAGCAT[G>A]ATGCCCAGGGTGAAGAAGCCGAAGAATCCCAGTACCATGAGGACGTAGAGGGCCTCCAGC-3'
Protein context (NP_000210.2, residues 51-71): LGFFGFFTLG[Ile61=]MLSYIRSKKL

ClinVar aggregate classification (germline): Likely benign (1 of 4 stars; one submission).

Conditions:
Long QT syndrome (LQTS). Identifiers: MedGen C0023976, MeSH D008133, MONDO:0002442. Disease mechanism: loss of function. Inheritance: Various modes of inheritance.

Submissions (2):

Labcorp Genetics (formerly Invitae), Labcorp
Classification: Likely benign for Long QT syndrome. Last evaluated: 2023-12-11. Review status: criteria provided, single submitter. Criteria: Invitae Variant Classification Sherloc (09022015). Collection method: clinical testing. Allele origin: germline.

Roden Lab, Vanderbilt University Medical Center
No classification provided (evidence only). Condition: Long QT syndrome 5. Review status: no classification provided. Collection method: in vitro. Allele origin: not applicable. Functional consequence: Effect on ion channel function. Not counted in ClinVar's aggregate classification.
ClinVar note: "not provided" was previously submitted as the classification for the variant. However, the classification appeared to be based only on an observation of functional data so it was converted to no classification on 2025-07-30.